The following is an entry in ClinVar:

NM_000117.3(EMD):c.400-15_400-12del

Gene: EMD (emerin; plus strand). Cytogenetic location: Xq28.
Variant type: Deletion.
Coding change: c.400-15_400-12del on transcript NM_000117.3 (MANE Select); 15 bases into the intron before coding-DNA position 400 through 12 bases into the intron before coding-DNA position 400, 4 bases deleted (GACT; older notation c.400-15_400-12delGACT).
Molecular consequence: intron variant.
Genome position (GRCh38, 1-based): chrX:154,380,738-154,380,741, GACT deleted; deleting any 4 consecutive bases within chrX:154,380,736-154,380,741 gives the same sequence; the c. name uses the placement nearest the transcript's 3' end. VCF-style (leftmost placement, unchanged base first): chrX-154380735-CCTGA-C. GRCh37 (hg19) VCF-style: chrX-153609095-CCTGA-C.
Other names: c.400-15_400-12delGACT (NM_000117.3).
Identifiers: ClinVar variation 3896398 (VCV003896398.2).

ClinVar aggregate classification (germline): Likely benign (1 of 4 stars; one submission).

Submission:

Women's Health and Genetics/Laboratory Corporation of America, LabCorp
Classification: Likely benign. Last evaluated: 2025-04-08. Review status: criteria provided, single submitter. Criteria: LabCorp Variant Classification Summary - May 2015. Collection method: clinical testing. Allele origin: germline.
Comment: Variant summary: EMD c.400-15_400-12delGACT alters a non-conserved nucleotide located at a position not widely known to affect splicing. Consensus agreement among computation tools predict no significant impact on normal splicing. However, these predictions have yet to be confirmed by functional studies. The variant was absent in 1211615 control chromosomes. The available data on variant occurrences in the general population are insufficient to allow any conclusion about variant significance. To our knowledge, no occurrence of c.400-15_400-12delGACT in individuals affected with Emery-Dreifuss muscular dystrophy 1, X-linked and no experimental evidence demonstrating its impact on protein function have been reported. No submitters have cited clinical-significance assessments for this variant to ClinVar. Based on the evidence outlined above, the variant was classified as likely benign.